The following is an entry in ClinVar:

NM_001144967.3(NEDD4L):c.1837del (p.Asp613fs)

Gene: NEDD4L (NEDD4 like E3 ubiquitin protein ligase; plus strand). Cytogenetic location: 18q21.31.
Variant type: Deletion.
Coding change: c.1837del on transcript NM_001144967.3 (MANE Select); coding-DNA position 1837, one base deleted (G; older notation c.1837delG).
Protein change: p.Asp613fs; shifts the reading frame from aspartic acid 613.
Molecular consequence: frameshift variant.
Genome position (GRCh38, 1-based): chr18:58,366,002, G deleted. VCF-style (leftmost placement, unchanged base first): chr18-58366001-TG-T. GRCh37 (hg19) VCF-style: chr18-56033233-TG-T.
Other names: c.1474del, p.Asp492fs (NM_001144964.1, NM_001144965.2, NM_001144966.3); c.1813del, p.Asp605fs (NM_001144968.2); c.1753del, p.Asp585fs (NM_001144969.2); c.1414del, p.Asp472fs (NM_001144970.3, NM_001144971.2); c.1645del, p.Asp549fs (NM_001243960.2); c.2674del, p.Asp892fs (NM_001437337.1); c.1777del, p.Asp593fs (NM_015277.6); short protein forms D605fs, D472fs, D892fs, D492fs, D585fs, D593fs, D613fs, D549fs.
Identifiers: ClinVar variation 4713141 (VCV004713141.1).
Genomic context (GRCh38, chr18:58,366,001, plus strand): 5'-AGAAAACAAAGTGTGTATTTACTGTATGATTATGTGTTTTCTTTTGTCTTTTGTGTAGGC[TG>T]ATATCCCCAATAGGTTTGAAATGAAACTTCACAGAAATAACATATTTGAAGAGTCCTATC-3'

ClinVar aggregate classification (germline): Uncertain significance (1 of 4 stars; one submission).

Submission:

Labcorp Genetics (formerly Invitae), Labcorp
Classification: Uncertain significance. Last evaluated: 2025-02-15. Review status: criteria provided, single submitter. Criteria: Invitae Variant Classification Sherloc (09022015). Collection method: clinical testing. Allele origin: germline.
Comment: This sequence change creates a premature translational stop signal (p.Asp593Ilefs*8) in the NEDD4L gene. It is expected to result in an absent or disrupted protein product. However, the current clinical and genetic evidence is not sufficient to establish whether loss-of-function variants in NEDD4L cause disease. This variant is not present in population databases (gnomAD no frequency). This variant has not been reported in the literature in individuals affected with NEDD4L-related conditions. In summary, the available evidence is currently insufficient to determine the role of this variant in disease. Therefore, it has been classified as a Variant of Uncertain Significance.